The following is an entry in ClinVar:

ClinVar aggregate classification (germline): Uncertain significance (1 of 4 stars; one submission).

Conditions:
Spinocerebellar ataxia type 14 (SCA14). Identifiers: Orphanet 98763, MedGen C1854369, MONDO:0011540, OMIM 605361.

Submission:

3billion
Classification: Uncertain significance for Spinocerebellar ataxia type 14. Last evaluated: 2022-09-01. Review status: criteria provided, single submitter. Criteria: ACMG Guidelines, 2015. Collection method: clinical testing. Allele origin: germline. Affected: yes. Observed: 1 heterozygote.
Comment: The variant is not observed in the gnomAD v2.1.1 dataset. Missense changes are a common disease-causing mechanism. In silico tool predictions suggest damaging effect of the variant on gene or gene product (REVEL: 0.91; 3Cnet: 0.74). Therefore, this variant is classified as uncertain significance according to the recommendation of ACMG/AMP guideline.

NM_002739.5(PRKCG):c.1571C>G (p.Pro524Arg)

Gene: PRKCG (protein kinase C gamma; plus strand). Cytogenetic location: 19q13.42.
Variant type: single nucleotide variant.
Coding change: c.1571C>G on transcript NM_002739.5 (MANE Select); coding-DNA position 1571, C replaced by G.
Protein change: p.Pro524Arg; replaces proline 524 with arginine.
Molecular consequence: missense variant.
Genome position (GRCh38, 1-based): chr19:53,900,745, C>G. VCF-style: chr19-53900745-C-G. GRCh37 (hg19) VCF-style: chr19-54403999-C-G.
Other names: c.1571C>G, p.Pro524Arg (NM_001316329.2); short protein forms P524R.
Identifiers: ClinVar variation 1705423 (VCV001705423.1), dbSNP rs2068757688, ClinGen allele CA407419017.